The following is an entry in ClinVar:

ClinVar aggregate classification (germline): Uncertain significance (1 of 4 stars; one submission).

Conditions:
Cryopyrin associated periodic syndrome (CAPS). Identifiers: Orphanet 208650, MedGen C2316212, MONDO:0016168.

Submission:

Labcorp Genetics (formerly Invitae), Labcorp
Classification: Uncertain significance for Cryopyrin associated periodic syndrome. Last evaluated: 2021-02-22. Review status: criteria provided, single submitter. Criteria: Invitae Variant Classification Sherloc (09022015). Collection method: clinical testing. Allele origin: germline.
Comment: This variant has not been reported in the literature in individuals with NLRP3-related conditions. This sequence change replaces serine with proline at codon 752 of the NLRP3 protein (p.Ser752Pro). The serine residue is weakly conserved and there is a moderate physicochemical difference between serine and proline. This variant is not present in population databases (ExAC no frequency). Algorithms developed to predict the effect of missense changes on protein structure and function output the following: SIFT: "Tolerated"; PolyPhen-2: "Benign"; Align-GVGD: "Class C0". The proline amino acid residue is found in multiple mammalian species, suggesting that this missense change does not adversely affect protein function. These predictions have not been confirmed by published functional studies and their clinical significance is uncertain. In summary, the available evidence is currently insufficient to determine the role of this variant in disease. Therefore, it has been classified as a Variant of Uncertain Significance.

NM_001243133.2(NLRP3):c.2248T>C (p.Ser750Pro)

Gene: NLRP3 (NLR family pyrin domain containing 3; plus strand). Cytogenetic location: 1q44.
Variant type: single nucleotide variant.
Coding change: c.2248T>C on transcript NM_001243133.2 (MANE Select); coding-DNA position 2248, T replaced by C.
Protein change: p.Ser750Pro; replaces serine 750 with proline.
Molecular consequence: missense variant. On other transcripts: intron variant (2).
Genome position (GRCh38, 1-based): chr1:247,429,682, T>C. VCF-style: chr1-247429682-T-C. GRCh37 (hg19) VCF-style: chr1-247592984-T-C.
Other names: c.2248T>C, p.Ser750Pro (NM_001079821.3, NM_001127461.3); c.2254T>C, p.Ser752Pro (NM_004895.5); c.2150+4083T>C (NM_001127462.3, NM_183395.3); short protein forms S750P, S752P.
Identifiers: ClinVar variation 1425809 (VCV001425809.8), dbSNP rs2103132559, ClinGen allele CA345559294.